The following is an entry in ClinVar:

NM_000117.3(EMD):c.356A>G (p.Gln119Arg)

Gene: EMD (emerin; plus strand). Cytogenetic location: Xq28.
Variant type: single nucleotide variant.
Coding change: c.356A>G on transcript NM_000117.3 (MANE Select); coding-DNA position 356, A replaced by G.
Protein change: p.Gln119Arg; replaces glutamine 119 with arginine.
Molecular consequence: missense variant.
Genome position (GRCh38, 1-based): chrX:154,380,324, A>G. VCF-style: chrX-154380324-A-G. GRCh37 (hg19) VCF-style: chrX-153608684-A-G.
Other names: short protein forms Q119R.
Identifiers: ClinVar variation 2742602 (VCV002742602.5), dbSNP rs1557182458, ClinGen allele CA415257978.

ClinVar aggregate classification (germline): Uncertain significance. Review status: criteria provided, multiple submitters, no conflicts (2 of 4 stars). 2 submissions from 2 submitters: Uncertain significance (2). Last evaluated 2026-08-07.

Conditions:
X-linked Emery-Dreifuss muscular dystrophy. Also called: Muscular dystrophy, tardive Emery-Dreifuss type, with contractures. Identifiers: Orphanet 261, Orphanet 98863, MedGen C0751337, MONDO:0010680.
Cardiovascular phenotype. Identifiers: MedGen CN230736.

Allele frequency attached by ClinVar (database versions not stated): gnomAD exomes below 0.00001; TOPMed 0.00001.
gnomAD v4.1: 1 of 1,211,534 alleles (0.000083%); highest among the groups gnomAD compares: Non-Finnish European, 0.00011%; no homozygotes.

Submissions (3):

Ambry Genetics
Classification: Uncertain significance for Cardiovascular phenotype. Last evaluated: 2026-08-07. Review status: criteria provided, single submitter. Criteria: Ambry Variant Classification Scheme 2023. Collection method: clinical testing. Allele origin: germline.
Comment: The p.Q119R variant (also known as c.356A>G), located in coding exon 4 of the EMD gene, results from an A to G substitution at nucleotide position 356. The glutamine at codon 119 is replaced by arginine, an amino acid with highly similar properties. This amino acid position is not well conserved in available vertebrate species. In addition, this alteration is predicted to be tolerated by in silico analysis. Based on data from gnomAD, the G allele has an overall frequency of 0.0045% (1/22027) total alleles studied, with 0 hemizygote(s) observed. The highest observed frequency was 0.0168% (1/5958) of African alleles. Based on the available evidence, the clinical significance of this variant remains unclear.

Labcorp Genetics (formerly Invitae), Labcorp
Classification: Uncertain significance for X-linked Emery-Dreifuss muscular dystrophy. Last evaluated: 2025-01-27. Review status: criteria provided, single submitter. Criteria: Invitae Variant Classification Sherloc (09022015). Collection method: clinical testing. Allele origin: germline.
Comment: This sequence change replaces glutamine, which is neutral and polar, with arginine, which is basic and polar, at codon 119 of the EMD protein (p.Gln119Arg). This variant is present in population databases (no rsID available, gnomAD 0.02%). This variant has not been reported in the literature in individuals affected with EMD-related conditions. ClinVar contains an entry for this variant (Variation ID: 2742602). An algorithm developed to predict the effect of missense changes on protein structure and function (PolyPhen-2) suggests that this variant is likely to be tolerated. In summary, the available evidence is currently insufficient to determine the role of this variant in disease. Therefore, it has been classified as a Variant of Uncertain Significance.

Dr. Peter K. Rogan Lab, Western University
No classification provided (evidence only). Condition: Nonpapillary renal cell carcinoma. Review status: no classification provided. Collection method: in vitro. Allele origin: not applicable. Functional consequence: skipped exon, retained intron. Not counted in ClinVar's aggregate classification.